The following is an entry in ClinVar:

NM_000878.5(IL2RB):c.1535C>T (p.Pro512Leu)

Gene: IL2RB (interleukin 2 receptor subunit beta; minus strand). Cytogenetic location: 22q12.3.
Variant type: single nucleotide variant.
Coding change: c.1535C>T on transcript NM_000878.5 (MANE Select); coding-DNA position 1535, C replaced by T.
Protein change: p.Pro512Leu; replaces proline 512 with leucine.
Molecular consequence: missense variant.
Genome position (GRCh38, 1-based): chr22:37,128,217, G>A on the plus strand (C>T on the coding strand, the complement: IL2RB is on the minus strand). VCF-style: chr22-37128217-G-A. GRCh37 (hg19) VCF-style: chr22-37524257-G-A.
Other names: c.1535C>T, p.Pro512Leu (NM_001346222.1, NM_001346223.2); short protein forms P512L.
Identifiers: ClinVar variation 2009370 (VCV002009370.1), dbSNP rs1921219539, ClinGen allele CA411423630.

ClinVar aggregate classification (germline): Uncertain significance (1 of 4 stars; one submission).

Submission:

Labcorp Genetics (formerly Invitae), Labcorp
Classification: Uncertain significance. Last evaluated: 2022-06-22. Review status: criteria provided, single submitter. Criteria: Invitae Variant Classification Sherloc (09022015). Collection method: clinical testing. Allele origin: germline.
Comment: This sequence change replaces proline, which is neutral and non-polar, with leucine, which is neutral and non-polar, at codon 512 of the IL2RB protein (p.Pro512Leu). This variant is not present in population databases (gnomAD no frequency). This variant has not been reported in the literature in individuals affected with IL2RB-related conditions. Algorithms developed to predict the effect of missense changes on protein structure and function are either unavailable or do not agree on the potential impact of this missense change (SIFT: "Tolerated"; PolyPhen-2: "Probably Damaging"; Align-GVGD: "Class C0"). In summary, the available evidence is currently insufficient to determine the role of this variant in disease. Therefore, it has been classified as a Variant of Uncertain Significance.